The following is an entry in ClinVar:

NM_000321.3(RB1):c.468T>C (p.Asp156=)

Gene: RB1 (RB transcriptional corepressor 1; plus strand). Cytogenetic location: 13q14.2.
Variant type: single nucleotide variant.
Coding change: c.468T>C on transcript NM_000321.3 (MANE Select); coding-DNA position 468, T replaced by C.
Protein change: p.Asp156=; no amino-acid change (aspartic acid 156 retained).
Molecular consequence: synonymous variant.
Genome position (GRCh38, 1-based): chr13:48,345,167, T>C. VCF-style: chr13-48345167-T-C. GRCh37 (hg19) VCF-style: chr13-48919303-T-C.
Other names: c.468T>C, p.Asp156= (NM_001407165.1, NM_001407166.1).
Identifiers: ClinVar variation 3075640 (VCV003075640.2), dbSNP rs2138087698, ClinGen allele CA483726254.

ClinVar aggregate classification (germline): Likely benign. Review status: criteria provided, multiple submitters, no conflicts (2 of 4 stars). 2 submissions from 2 submitters: Likely benign (2). Last evaluated 2025-03-24.

Conditions:
Hereditary cancer-predisposing syndrome. Also called: Neoplastic Syndromes, Hereditary; Tumor predisposition; Hereditary neoplastic syndrome; Hereditary Cancer Syndrome. Identifiers: Orphanet 140162, MedGen C0027672, MeSH D009386, MONDO:0015356.
Retinoblastoma (RB1). Also called: RETINOBLASTOMA, SOMATIC. Identifiers: Orphanet 790, MedGen C0035335, MeSH D012175, MONDO:0008380, OMIM 180200, HP:0009919. Disease mechanism: loss of function. Inheritance: Both sporadic and heritable forms are tested..

gnomAD v4.1: 1 of 1,612,798 alleles (0.000062%); highest among the groups gnomAD compares: Non-Finnish European, 0.000085%; no homozygotes.

Submissions (2):

Ambry Genetics
Classification: Likely benign for Hereditary cancer-predisposing syndrome. Last evaluated: 2025-03-24. Review status: criteria provided, single submitter. Criteria: Ambry Variant Classification Scheme 2023. Collection method: clinical testing. Allele origin: germline.

All of Us Research Program, National Institutes of Health
Classification: Likely benign for Retinoblastoma. Last evaluated: 2023-03-23. Review status: criteria provided, single submitter. Criteria: ACMG Guidelines, 2015. Collection method: clinical testing. Allele origin: germline. Inheritance: Autosomal dominant inheritance. Observed: 1 variant allele, 1 heterozygote.
Comment: This study involves interpretation of variants in research participants for the purpose of population health screening. Participant phenotype was not available at the time of variant classification. Additional details can be found in publication PMID: 35346344, PMCID: PMC8962531